The following is an entry in ClinVar:

NM_033380.3(COL4A5):c.1690G>T (p.Gly564Cys)

Gene: COL4A5 (collagen type IV alpha 5 chain; plus strand). Cytogenetic location: Xq22.3.
Variant type: single nucleotide variant.
Coding change: c.1690G>T on transcript NM_033380.3 (MANE Select); coding-DNA position 1690, G replaced by T.
Protein change: p.Gly564Cys; replaces glycine 564 with cysteine.
Molecular consequence: missense variant.
Genome position (GRCh38, 1-based): chrX:108,597,479, G>T. VCF-style: chrX-108597479-G-T. GRCh37 (hg19) VCF-style: chrX-107840709-G-T.
Other names: c.1690G>T, p.Gly564Cys (NM_000495.5); short protein forms G564C.
Identifiers: ClinVar variation 24436 (VCV000024436.10), dbSNP rs281874674, ClinGen allele CA258520.

ClinVar aggregate classification (germline): Pathogenic/Likely pathogenic. Review status: criteria provided, multiple submitters, no conflicts (2 of 4 stars). 3 submissions from 3 submitters: Pathogenic (1); Likely pathogenic (2). Last evaluated 2023-02-25.

Conditions:
X-linked Alport syndrome (ATS1). Also called: COL4A5-Related Nephropathy; NEPHROPATHY AND DEAFNESS, X-LINKED. Identifiers: Orphanet 63, Orphanet 88917, MedGen C4746986, MONDO:0010520, OMIM 301050.

Submissions (3):

Labcorp Genetics (formerly Invitae), Labcorp
Classification: Likely pathogenic. Last evaluated: 2023-02-25. Review status: criteria provided, single submitter. Criteria: Invitae Variant Classification Sherloc (09022015). Collection method: clinical testing. Allele origin: germline.
Comment: This variant is not present in population databases (gnomAD no frequency). This sequence change replaces glycine, which is neutral and non-polar, with cysteine, which is neutral and slightly polar, at codon 564 of the COL4A5 protein (p.Gly564Cys). This missense change has been observed in individual(s) with Alport syndrome (PMID: 19965530, 29270492, 32939031). ClinVar contains an entry for this variant (Variation ID: 24436). Advanced modeling of protein sequence and biophysical properties (such as structural, functional, and spatial information, amino acid conservation, physicochemical variation, residue mobility, and thermodynamic stability) performed at Invitae indicates that this missense variant is expected to disrupt COL4A5 protein function. This variant disrupts the triple helix domain of COL4A5. Glycine residues within the Gly-Xaa-Yaa repeats of the triple helix domain are required for the structure and stability of fibrillar collagens (PMID: 7695699, 8218237, 19344236). In COL4A5, missense variants at these glycine residues are significantly enriched in individuals with disease (PMID: 23720012, 27627812) compared to the general population (ExAC). In summary, the currently available evidence indicates that the variant is pathogenic, but additional data are needed to prove that conclusively. Therefore, this variant has been classified as Likely Pathogenic.

Women's Health and Genetics/Laboratory Corporation of America, LabCorp
Classification: Likely pathogenic for X-linked Alport syndrome. Last evaluated: 2022-12-29. Review status: criteria provided, single submitter. Criteria: LabCorp Variant Classification Summary - May 2015. Collection method: clinical testing. Allele origin: germline.
Comment: Variant summary: COL4A5 c.1690G>T (p.Gly564Cys) results in a non-conservative amino acid change to a highly conserved residue in the encoded protein sequence. A different missense variant affecting this residue has been classified as likely pathogenic in ClinVar (c.1690G>C, p.Gly564Arg), and other missense variants near this amino acid have been found in association with Alport syndrome (HGMD). Five of five in-silico tools predict a damaging effect of the variant on protein function. The variant was absent in 183307 control chromosomes. c.1690G>T has been reported in the literature in individuals affected with Alport Syndrome 1, including at least one individual with de novo occurrence (Colville_2009, Yamamyra_2017, Jayasinghe_2021). These data indicate that the variant is likely to be associated with disease. To our knowledge, no experimental evidence demonstrating an impact on protein function has been reported. One submitter has provided a clinical-significance assessment for this variant to ClinVar after 2014, and it as pathogenic. The variant changes a highly conserved glycine residue within the triple-helical region. Alterations of glycine residues within the collagen triple-helix are common mechanisms of disease. Based on the evidence outlined above, the variant was classified as likely pathogenic.

Victorian Clinical Genetics Services, Murdoch Childrens Research Institute
Classification: Pathogenic for X-linked Alport syndrome. Last evaluated: 2019-03-27. Review status: criteria provided, single submitter. Criteria: ACMG Guidelines, 2015. Collection method: clinical testing. Allele origin: unknown. Affected: yes.
Comment: A heterozygous missense variant, NM_000495.4(COL4A5):c.1690G>T, has been identified in exon 24 of 51 of the COL4A5 gene. The variant is predicted to result in a major amino acid change from glycine to cysteine at position 564 of the protein (NP_000486.1(COL4A5):p.(Gly564Cys)). The glycine residue at this position has very high conservation (100 vertebrates, UCSC), and is located within the collagen triple helix repeat region. In silico predictions for this variant are consistently pathogenic (Polyphen, SIFT, CADD, Mutation Taster). The variant is absent in the gnomAD population database. The variant has been previously described as pathogenic in two patients with alport retinopathy (ClinVar, Colville, D., et al. (2009)). A different variant in the same codon resulting in a change to arginine has also been reported as likely pathogenic in a clinical testing setting (ClinVar). Subsequent analysis of parental samples indicated this variant was due to a de novo event. Based on the information available at the time of curation, this variant has been classified as PATHOGENIC.

Literature cited by the submitters: PubMed 19965530 (cited by Labcorp Genetics (formerly Invitae), Labcorp and Women's Health and Genetics/Laboratory Corporation of America, LabCorp); PubMed 29270492 (cited by Labcorp Genetics (formerly Invitae), Labcorp and Women's Health and Genetics/Laboratory Corporation of America, LabCorp); PubMed 32939031 (cited by Labcorp Genetics (formerly Invitae), Labcorp and Women's Health and Genetics/Laboratory Corporation of America, LabCorp); PubMed 7695699 (cited by Labcorp Genetics (formerly Invitae), Labcorp); PubMed 8218237 (cited by Labcorp Genetics (formerly Invitae), Labcorp); PubMed 19344236 (cited by Labcorp Genetics (formerly Invitae), Labcorp); PubMed 23720012 (cited by Labcorp Genetics (formerly Invitae), Labcorp); PubMed 27627812 (cited by Labcorp Genetics (formerly Invitae), Labcorp); PubMed 19019929 (cited by Women's Health and Genetics/Laboratory Corporation of America, LabCorp).